The following is an entry in ClinVar:

ClinVar aggregate classification (germline): Uncertain significance (1 of 4 stars; one submission).

Conditions:
Charcot-Marie-Tooth disease type 4. Also called: Charcot-Marie-Tooth disease, type IV; Charcot-Marie-Tooth, Type 4. Identifiers: Orphanet 64749, MedGen C4082197, MONDO:0018995.

Submission:

Labcorp Genetics (formerly Invitae), Labcorp
Classification: Uncertain significance for Charcot-Marie-Tooth disease type 4. Last evaluated: 2021-11-30. Review status: criteria provided, single submitter. Criteria: Invitae Variant Classification Sherloc (09022015). Collection method: clinical testing. Allele origin: germline.
Comment: A copy number gain of the genomic region encompassing the full coding sequence of the SH3TC2 gene has been identified. The boundaries of this event are unknown as they extend beyond the assayed region for this gene and therefore may encompass additional genes. As the precise location of this event is unknown, it may be in tandem or it may be located elsewhere in the genome. This variant has not been reported in the literature in individuals affected with SH3TC2-related conditions. In summary, the available evidence is currently insufficient to determine the role of this variant in disease. Therefore, it has been classified as a Variant of Uncertain Significance.

NC_000005.9:g.(?_148384274)_(148442585_?)dup

Gene: SH3TC2 (SH3 domain and tetratricopeptide repeats 2; minus strand). Cytogenetic location: 5q32.
Variant type: Duplication.
Identifiers: ClinVar variation 1441390 (VCV001441390.3).